The following is an entry in ClinVar:

NM_003482.4(KMT2D):c.5801A>G (p.Asn1934Ser)

Gene: KMT2D (lysine methyltransferase 2D; minus strand). Cytogenetic location: 12q13.12.
Variant type: single nucleotide variant.
Coding change: c.5801A>G on transcript NM_003482.4 (MANE Select); coding-DNA position 5801, A replaced by G.
Protein change: p.Asn1934Ser; replaces asparagine 1934 with serine.
Molecular consequence: missense variant.
Genome position (GRCh38, 1-based): chr12:49,042,627, T>C on the plus strand (A>G on the coding strand, the complement: KMT2D is on the minus strand). VCF-style: chr12-49042627-T-C. GRCh37 (hg19) VCF-style: chr12-49436410-T-C.
Other names: c.5801A>G (NM_003482.3); short protein forms N1934S.
Identifiers: ClinVar variation 1449014 (VCV001449014.8), dbSNP rs756972898, ClinGen allele CA6547430.

ClinVar aggregate classification (germline): Conflicting classifications of pathogenicity. Review status: criteria provided, conflicting classifications (1 of 4 stars). 3 submissions from 3 submitters: Uncertain significance (2); Benign (1). Last evaluated 2026-05-06.

Conditions:
KMT2D-related disorder. Also called: KMT2D-Related Disorders.
Choanal atresia-athelia-hypothyroidism-delayed puberty-short stature syndrome (BCAHH). Also called: BRANCHIAL ARCH ABNORMALITIES, CHOANAL ATRESIA, ATHELIA, HEARING LOSS, AND HYPOTHYROIDISM SYNDROME. Identifiers: Orphanet 589856, MedGen C5680310, MONDO:0035651, OMIM 620186.
Kabuki syndrome 1 (KABUK1). Also called: KMT2D-Related Kabuki Syndrome. Identifiers: Orphanet 2322, MedGen CN030661, MONDO:0007843, OMIM 147920.
Kabuki syndrome. Also called: Kabuki make-up syndrome; NIIKAWA-KUROKI SYNDROME. Identifiers: Orphanet 2322, MedGen C0796004, MONDO:0016512.

Allele frequency attached by ClinVar (database versions not stated): ExAC 0.00001; gnomAD exomes 0.00002; TOPMed 0.00005.
gnomAD v4.1: 23 of 1,613,532 alleles (0.0014%); highest among the groups gnomAD compares: African/African-American, 0.015%; no homozygotes.

Submissions (3):

PreventionGenetics, part of Exact Sciences
Classification: Uncertain significance for KMT2D-related condition. Last evaluated: 2026-05-06. Review status: criteria provided, single submitter. Criteria: ACMG Guidelines, 2015. Collection method: clinical testing. Allele origin: germline.
Comment: The KMT2D c.5801A>G variant is predicted to result in the amino acid substitution p.Asn1934Ser. To our knowledge, this variant has not been reported in the literature. This variant is reported in 0.017% of alleles in individuals of African descent in gnomAD. Although we suspect that this variant may be benign, at this time, the clinical significance of this variant is uncertain due to the absence of conclusive functional and genetic evidence.

Labcorp Genetics (formerly Invitae), Labcorp
Classification: Benign for Kabuki syndrome. Last evaluated: 2025-09-22. Review status: criteria provided, single submitter. Criteria: Invitae Variant Classification Sherloc (09022015). Collection method: clinical testing. Allele origin: germline.

Fulgent Genetics
Classification: Uncertain significance for Kabuki syndrome 1; Choanal atresia-athelia-hypothyroidism-delayed puberty-short stature syndrome. Last evaluated: 2024-05-19. Review status: criteria provided, single submitter. Criteria: ACMG Guidelines, 2015. Collection method: clinical testing. Allele origin: germline.